The following is an entry in ClinVar:

NM_001042492.3(NF1):c.5432_5433insTT (p.Phe1812fs)

Gene: NF1 (neurofibromin 1; plus strand). Cytogenetic location: 17q11.2.
Variant type: Insertion.
Coding change: c.5432_5433insTT on transcript NM_001042492.3 (MANE Select); coding-DNA positions 5432 to 5433, TT inserted.
Protein change: p.Phe1812fs; shifts the reading frame from phenylalanine 1812.
Molecular consequence: frameshift variant.
Genome position: GRCh38 VCF-style: chr17-31327662-C-CTT. GRCh37 (hg19) VCF-style: chr17-29654680-C-CTT.
Other names: c.5369_5370insTT, p.Phe1791Serfs (NM_000267.4); short protein forms F1791fs, F1812fs.
Identifiers: ClinVar variation 3372683 (VCV003372683.1).

ClinVar aggregate classification (germline): Pathogenic (1 of 4 stars; one submission).

Submission:

GeneDx
Classification: Pathogenic. Last evaluated: 2024-04-23. Review status: criteria provided, single submitter. Criteria: GeneDx Variant Classification Process June 2021. Collection method: clinical testing. Allele origin: germline. Affected: yes.
Comment: Frameshift variant predicted to result in protein truncation or nonsense mediated decay in a gene for which loss of function is a known mechanism of disease; Not observed at significant frequency in large population cohorts (gnomAD); Has not been previously published as pathogenic or benign to our knowledge